The following is an entry in ClinVar:

ClinVar aggregate classification (germline): Likely pathogenic (1 of 4 stars; one submission).

Conditions:
Familial cancer of breast. Also called: hereditary breast carcinoma; BREAST CANCER, FAMILIAL; Hereditary breast cancer. Identifiers: Orphanet 227535, MedGen C0346153, MONDO:0016419, OMIM 114480. Disease mechanism: loss of function.

Submission:

Labcorp Genetics (formerly Invitae), Labcorp
Classification: Likely pathogenic for Familial cancer of breast. Last evaluated: 2018-05-14. Review status: criteria provided, single submitter. Criteria: Invitae Variant Classification Sherloc (09022015). Collection method: clinical testing. Allele origin: germline.
Comment: In summary, the currently available evidence indicates that the variant is pathogenic, but additional data are needed to prove that conclusively. Therefore, this variant has been classified as Likely Pathogenic. Loss-of-function variants in BARD1 are known to be pathogenic (PMID: 20077502, 21344236). This variant has not been reported in the literature in individuals with BARD1-related disease. This variant is a deletion of the genomic region encompassing part of exon 6 (c.1565_1568+298del) of the BARD1 gene. It is expected to disrupt RNA splicing and likely results in an absent or disrupted protein product.

Literature cited by the submitters: PubMed 20077502; PubMed 21344236.

NM_000465.4(BARD1):c.1565_1568+298del

Gene: BARD1 (BRCA1 associated RING domain 1; minus strand). Cytogenetic location: 2q35.
Variant type: Deletion.
Coding change: c.1565_1568+298del on transcript NM_000465.4 (MANE Select); coding-DNA position 1565 through 298 bases into the intron after coding-DNA position 1568, 302 bases deleted.
Molecular consequence: splice donor variant. On other transcripts: intron variant (3).
Genome position (GRCh38, 1-based): chr2:214,767,184-214,767,485, 302 bases deleted. GRCh37 (hg19): chr2:215,631,911-215,632,212.
Other names: c.159-14930_159-14629del (NM_001282548.2); c.1508_1511+298del (NM_001282543.2); c.216-14930_216-14629del (NM_001282545.2); c.364+24812_364+25113del (NM_001282549.2).
Identifiers: ClinVar variation 1068297 (VCV001068297.10), dbSNP rs2106075317, ClinGen allele CA2499215609.